The following is an entry in ClinVar:

NM_024675.4(PALB2):c.814G>A (p.Glu272Lys)

Gene: PALB2 (partner and localizer of BRCA2; minus strand). Cytogenetic location: 16p12.2.
Variant type: single nucleotide variant.
Coding change: c.814G>A on transcript NM_024675.4 (MANE Select); coding-DNA position 814, G replaced by A.
Protein change: p.Glu272Lys; replaces glutamic acid 272 with lysine.
Molecular consequence: missense variant.
Genome position (GRCh38, 1-based): chr16:23,635,732, C>T on the plus strand (G>A on the coding strand, the complement: PALB2 is on the minus strand). VCF-style: chr16-23635732-C-T. GRCh37 (hg19) VCF-style: chr16-23647053-C-T.
Other names: short protein forms E272K.
Identifiers: ClinVar variation 126772 (VCV000126772.31), dbSNP rs515726127, ClinGen allele CA193995.

ClinVar aggregate classification (germline): Conflicting classifications of pathogenicity. Review status: criteria provided, conflicting classifications (1 of 4 stars). 11 submissions from 11 submitters: Uncertain significance (8); Benign (1); Likely benign (1). 1 of the submissions does not count toward it. Last evaluated 2025-12-16.

Conditions:
Hereditary cancer-predisposing syndrome. Also called: Tumor predisposition; Hereditary Cancer Syndrome; Neoplastic Syndromes, Hereditary; Hereditary neoplastic syndrome. Identifiers: Orphanet 140162, MedGen C0027672, MeSH D009386, MONDO:0015356.
Familial cancer of breast. Also called: BREAST CANCER, FAMILIAL; Hereditary breast cancer; hereditary breast carcinoma. Identifiers: Orphanet 227535, MedGen C0346153, MONDO:0016419, OMIM 114480. Disease mechanism: loss of function.
Pancreatic cancer, susceptibility to, 3. Identifiers: Orphanet 1333, MedGen C3150547, MONDO:0013236, OMIM 613348.
Fanconi anemia complementation group N. Also called: PALB2-Related Fanconi Anemia. Identifiers: Orphanet 84, MedGen C1835817, MONDO:0012565, OMIM 610832. Disease mechanism: loss of function.

Allele frequency attached by ClinVar (database versions not stated): TOPMed below 0.00001; gnomAD 0.00001; gnomAD exomes 0.00001 and 0.00002; ExAC 0.00004.
gnomAD v4.1: 26 of 1,613,994 alleles (0.0016%); highest among the groups gnomAD compares: Middle Eastern, 0.016%; no homozygotes.

Submissions (11):

Labcorp Genetics (formerly Invitae), Labcorp
Classification: Uncertain significance for Familial cancer of breast. Last evaluated: 2025-12-16. Review status: criteria provided, single submitter. Criteria: Invitae Variant Classification Sherloc (09022015). Collection method: clinical testing. Allele origin: germline.
Comment: This sequence change replaces glutamic acid, which is acidic and polar, with lysine, which is basic and polar, at codon 272 of the PALB2 protein (p.Glu272Lys). This variant is present in population databases (rs515726127, gnomAD 0.02%). This missense change has been observed in individual(s) with breast and/or ovarian cancer (PMID: 21356067, 34284872, 37686625, 38061684). ClinVar contains an entry for this variant (Variation ID: 126772). An algorithm developed to predict the effect of missense changes on protein structure and function outputs the following: PolyPhen-2: "Benign". The lysine amino acid residue is found in multiple mammalian species, which suggests that this missense change does not adversely affect protein function. In summary, the available evidence is currently insufficient to determine the role of this variant in disease. Therefore, it has been classified as a Variant of Uncertain Significance.

Ambry Genetics
Classification: Likely benign for Hereditary cancer-predisposing syndrome. Last evaluated: 2025-11-19. Review status: criteria provided, single submitter. Criteria: Ambry Variant Classification Scheme 2023. Collection method: clinical testing. Allele origin: germline.

Quest Diagnostics Nichols Institute San Juan Capistrano
Classification: Uncertain significance. Last evaluated: 2025-06-04. Review status: criteria provided, single submitter. Criteria: Quest Diagnostics criteria. Collection method: clinical testing. Allele origin: unknown.
Comment: The PALB2 c.814G>A (p.Glu272Lys) variant has been observed in the published literature in individuals with breast and/or ovarian cancer (PMIDs: 21356067 (2011), 30521987 (2019), 33471991 (2021), 37686625 (2023), 38061684 (2024)), as well as in reportedly unaffected individuals (PMID: 33471991 (2021)). The frequency of this variant in the general population (Genome Aggregation Database) is uninformative in the assessment of its pathogenicity. Analysis of this variant using bioinformatics tools for the prediction of the effect of amino acid changes on protein structure and function yielded predictions that this variant is benign. Based on the available information, we are unable to determine the clinical significance of this variant.

Center for Genomic Medicine, Rigshospitalet, Copenhagen University Hospital
Classification: Uncertain significance. Last evaluated: 2025-03-04. Review status: criteria provided, single submitter. Criteria: ACMG Guidelines, 2015. Collection method: clinical testing. Allele origin: germline.

Myriad Genetics, Inc.
Classification: Benign for Familial cancer of breast. Last evaluated: 2025-01-10. Review status: criteria provided, single submitter. Criteria: Myriad Autosomal Dominant, Autosomal Recessive and X-Linked Classification Criteria (2023). Collection method: clinical testing. Allele origin: unknown.
Comment: This variant is considered benign. This variant is strongly associated with less severe personal and family histories of cancer, typical for individuals without pathogenic variants in this gene [PMID: 25085752]. Homozygosity for this variant has been confirmed in one or more individuals lacking clinical features consistent with gene-specific recessive disease, indicating that this variant is unlikely to be pathogenic.

Color Diagnostics, LLC DBA Color Health
Classification: Uncertain significance for Hereditary cancer-predisposing syndrome. Last evaluated: 2025-01-07. Review status: criteria provided, single submitter. Criteria: ACMG Guidelines, 2015. Collection method: clinical testing. Allele origin: germline.
Comment: This missense variant replaces glutamic acid with lysine at codon 272 of the PALB2 protein. Computational prediction suggests that this variant may not impact protein structure and function. To our knowledge, functional studies have not been reported for this variant. This variant has been reported in at least three individuals affected with breast and/or ovarian cancer (PMID: 21356067, 30521987, 37686625, 38061684), and it has been detected in a breast cancer case-control meta-analysis in 3/60466 cases and 2/53461 unaffected individuals (PMID: 33471991; Leiden Open Variation Database DB-ID PALB2_010049). This variant has been identified in 7/282818 chromosomes in the general population by the Genome Aggregation Database (gnomAD). The available evidence is insufficient to determine the role of this variant in disease conclusively. Therefore, this variant is classified as a Variant of Uncertain Significance.

GeneDx
Classification: Uncertain significance. Last evaluated: 2024-12-11. Review status: criteria provided, single submitter. Criteria: GeneDx Variant Classification Process June 2021. Collection method: clinical testing. Allele origin: germline. Affected: yes.
Comment: In silico analysis indicates that this missense variant does not alter protein structure/function; This variant is associated with the following publications: (PMID: 21356067, 33471991, 19369211, 34284872, 30521987, 37686625, 38061684, Tuncer2023[CaseReport])

Molecular Diagnostics Laboratory, Catalan Institute of Oncology
Classification: Uncertain significance for Hereditary cancer-predisposing syndrome. Last evaluated: 2024-09-17. Review status: criteria provided, single submitter. Criteria: ClinGen ACMG Specifications PALB2 V1.0.0. Collection method: clinical testing. Allele origin: germline.
Comment: BP1 c.814G>A, located in exon 4 of the PALB2 gene, is predicted to result in the substitution of glutamic acid by lysine at codon 272, p.(Glu272Lys). The SpliceAI algorithm predicts no significant impact on splicing and there is a very low likelihood that missense variants are pathogenic in PALB2 (BP1). This variant is found in 7/268282 alleles at a frequency of 0.0026% in the gnomAD v2.1.1 database, non-cancer dataset. To our knowledge, neither relevant clinical data nor well-stablished functional studies have been reported for this variant. It has been reported in the ClinVar database (8x uncertain significance) and in the LOVD database (2x likely benign, 2x uncertain significance). Based on the currently available information, c.814G>A is classified as an uncertain significance variant according to ClinGen-PALB2 Guidelines version v1.0.0.

Baylor Genetics
Classification: Uncertain significance for Familial cancer of breast. Last evaluated: 2023-06-29. Review status: criteria provided, single submitter. Criteria: ACMG Guidelines, 2015. Collection method: clinical testing. Allele origin: unknown.

Fulgent Genetics
Classification: Uncertain significance for Familial cancer of breast; Fanconi anemia complementation group N; Pancreatic cancer, susceptibility to, 3. Last evaluated: 2022-01-03. Review status: criteria provided, single submitter. Criteria: ACMG Guidelines, 2015. Collection method: clinical testing. Allele origin: unknown.

Leiden Open Variation Database
Classification: Uncertain significance for Familial cancer of breast. Last evaluated: 2019-05-13. Review status: no assertion criteria provided. Collection method: curation. Allele origin: germline. Affected: yes. Not counted in ClinVar's aggregate classification.
Comment: Curators: Marc Tischkowitz, Arleen D. Auerbach. Submitter to LOVD: Marc Tischkowitz.

Literature cited by the submitters: PubMed 21356067 (cited by 5 submitters); PubMed 34284872 (cited by Labcorp Genetics (formerly Invitae), Labcorp and Quest Diagnostics Nichols Institute San Juan Capistrano); PubMed 37686625 (cited by 4 submitters); PubMed 38061684 (cited by 3 submitters); PubMed 30521987 (cited by 3 submitters); PubMed 33471991 (cited by 3 submitters); PubMed 25085752 (cited by Myriad Genetics, Inc.).